The following is an entry in ClinVar:

NM_213655.5(WNK1):c.3017G>T (p.Gly1006Val)

Gene: WNK1 (WNK lysine deficient protein kinase 1; plus strand). Cytogenetic location: 12p13.33.
Variant type: single nucleotide variant.
Coding change: c.3017G>T on transcript NM_213655.5 (MANE Plus Clinical); coding-DNA position 3017, G replaced by T.
Protein change: p.Gly1006Val; replaces glycine 1006 with valine.
Molecular consequence: missense variant. On other transcripts: intron variant (2).
Genome position (GRCh38, 1-based): chr12:868,488, G>T. VCF-style: chr12-868488-G-T. GRCh37 (hg19) VCF-style: chr12-977654-G-T.
Other names: c.2762G>T, p.Gly921Val (NM_001184985.2); c.2140-2777G>T (NM_018979.4, NM_014823.3); short protein forms G1006V, G921V.
Identifiers: ClinVar variation 1798869 (VCV001798869.2), dbSNP rs760258456, ClinGen allele CA6382282.
Genomic context (GRCh38, chr12:868,488, plus strand): 5'-CATCTGGACAGGCTTTCCTGGTAGGACACCTTCAGAATCTAAGATTAGATTCTGGATTGG[G>T]TCCGGGATCTCCCCTCTCTAGTATTTCTGCACCTATCAGTACAGATGCTACACGTTTGAA-3'
Protein context (NP_998820.3, residues 996-1016): LQNLRLDSGL[Gly1006Val]PGSPLSSISA

ClinVar aggregate classification (germline): Uncertain significance (1 of 4 stars; one submission).

Conditions:
Inborn genetic diseases. Identifiers: MedGen C0950123, MeSH D030342.

Allele frequency attached by ClinVar (database versions not stated): TOPMed below 0.00001; gnomAD 0.00001; gnomAD exomes 0.00002; ExAC 0.00006.
gnomAD v4.1: 29 of 1,613,800 alleles (0.0018%); highest among the groups gnomAD compares: South Asian, 0.024%; no homozygotes.

Submission:

Ambry Genetics
Classification: Uncertain significance for Inborn genetic diseases. Last evaluated: 2022-05-11. Review status: criteria provided, single submitter. Criteria: Ambry Variant Classification Scheme 2023. Collection method: clinical testing. Allele origin: germline.
Comment: The p.G1006V variant (also known as c.3017G>T), located in coding exon 10 of the WNK1 gene, results from a G to T substitution at nucleotide position 3017. The glycine at codon 1006 is replaced by valine, an amino acid with dissimilar properties. This amino acid position is poorly conserved in available vertebrate species. In addition, this alteration is predicted to be tolerated by in silico analysis. Since supporting evidence is limited at this time, the clinical significance of this alteration remains unclear.